The following is an entry in ClinVar:

NC_000004.11:g.(?_22517131)_(22517407_?)del

Gene: ADGRA3 (adhesion G protein-coupled receptor A3; minus strand). Cytogenetic location: 4p15.2.
Variant type: Deletion.
Identifiers: ClinVar variation 1412766 (VCV001412766.4).

ClinVar aggregate classification (germline): Uncertain significance (1 of 4 stars; one submission).

Submission:

Labcorp Genetics (formerly Invitae), Labcorp
Classification: Uncertain significance. Last evaluated: 2021-08-05. Review status: criteria provided, single submitter. Criteria: Invitae Variant Classification Sherloc (09022015). Collection method: clinical testing. Allele origin: germline.
Comment: This variant is a gross deletion of the genomic region encompassing exon(s) 1 of the ADGRA3 gene, which includes the initiator codon. This deletion extends beyond the assayed region for this gene and therefore may encompass additional genes. It is expected to result in an absent or disrupted protein product. However, the current clinical and genetic evidence is not sufficient to establish whether loss-of-function variants in ADGRA3 cause disease. This variant has not been reported in the literature in individuals affected with ADGRA3-related conditions. In summary, the available evidence is currently insufficient to determine the role of this variant in disease. Therefore, it has been classified as a Variant of Uncertain Significance.